The following is an entry in ClinVar:

ClinVar aggregate classification (germline): Uncertain significance. Review status: criteria provided, multiple submitters, no conflicts (2 of 4 stars). 2 submissions from 2 submitters: Uncertain significance (2). Last evaluated 2024-05-06.

Allele frequency attached by ClinVar (database versions not stated): gnomAD 0.00001.
gnomAD v4.1: 3 of 1,573,344 alleles (0.00019%); highest among the groups gnomAD compares: African/African-American, 0.0014%; no homozygotes.

Submissions (2):

Ambry Genetics
Classification: Uncertain significance. Last evaluated: 2024-05-06. Review status: criteria provided, single submitter. Criteria: Ambry Variant Classification Scheme 2023. Collection method: clinical testing. Allele origin: germline.

Labcorp Genetics (formerly Invitae), Labcorp
Classification: Uncertain significance. Last evaluated: 2022-05-16. Review status: criteria provided, single submitter. Criteria: Invitae Variant Classification Sherloc (09022015). Collection method: clinical testing. Allele origin: germline.
Comment: This variant has not been reported in the literature in individuals affected with SCP2-related conditions. This variant is present in population databases (no rsID available, gnomAD 0.01%). This sequence change replaces glycine, which is neutral and non-polar, with alanine, which is neutral and non-polar, at codon 354 of the SCP2 protein (p.Gly354Ala). Algorithms developed to predict the effect of missense changes on protein structure and function (SIFT, PolyPhen-2, Align-GVGD) all suggest that this variant is likely to be disruptive. In summary, the available evidence is currently insufficient to determine the role of this variant in disease. Therefore, it has been classified as a Variant of Uncertain Significance.

NM_002979.5(SCP2):c.1061G>C (p.Gly354Ala)

Gene: SCP2 (sterol carrier protein 2; plus strand). Cytogenetic location: 1p32.3.
Variant type: single nucleotide variant.
Coding change: c.1061G>C on transcript NM_002979.5 (MANE Select); coding-DNA position 1061, G replaced by C.
Protein change: p.Gly354Ala; replaces glycine 354 with alanine.
Molecular consequence: missense variant.
Genome position (GRCh38, 1-based): chr1:52,988,116, G>C. VCF-style: chr1-52988116-G-C. GRCh37 (hg19) VCF-style: chr1-53453788-G-C.
Other names: c.1061G>C (NM_002979.4); c.929G>C, p.Gly310Ala (NM_001007098.3, NM_001193600.2); c.989G>C, p.Gly330Ala (NM_001193599.2); c.818G>C, p.Gly273Ala (NM_001193617.2); c.1061G>C, p.Gly354Ala (NM_001330587.2); short protein forms G330A, G310A, G354A, G273A.
Identifiers: ClinVar variation 1972065 (VCV001972065.6), dbSNP rs1237869869, ClinGen allele CA340383463.